The following is an entry in ClinVar:

GRCh37/hg19 2p25.3-22.3(chr2:706460-35523639)x3

Genes: ABHD1 (abhydrolase domain containing 1; plus strand), ADAM17 (ADAM metallopeptidase domain 17; minus strand), ADCY3 (adenylate cyclase 3; minus strand), ADGRF3 (adhesion G protein-coupled receptor F3; minus strand), ADI1 (acireductone dioxygenase 1; minus strand) and 174 more. Cytogenetic location: 2p25.3-22.3.
Variant type: copy number gain.
Change: copy number 3 (three copies instead of two) of chr2:706,460-35,523,639 (34.82 Mb, GRCh37 coordinates, 1-based), cytogenetic band 2p25.3-22.3.
Identifiers: ClinVar variation 1808629 (VCV001808629.1).

ClinVar aggregate classification (germline): Pathogenic (1 of 4 stars; one submission).

Submission:

Quest Diagnostics Nichols Institute San Juan Capistrano
Classification: Pathogenic. Last evaluated: 2022-04-15. Review status: criteria provided, single submitter. Criteria: ACMG/ClinGen CNV Guidelines, 2019. Collection method: clinical testing. Allele origin: unknown.
Comment: This large gain involves numerous protein-coding genes, including multiple associated with autosomal dominant disorders: MYT1L (OMIM 613084), RPS7 (OMIM 603658), SOX11 (OMIM 600898), KIDINS220 (OMIM 615759), ODC1 (OMIM 165640), MYCN (OMIM 164840), MATN3 (OMIM 602109), APOB (OMIM 107730), POMC (OMIM 176830), DNMT3A (OMIM 602769), ASXL2 (OMIM 612991), KCNK3 (OMIM 603220), DPYSL5 (OMIM 608383), PPP1CB (OMIM 600590), SPAST (OMIM 604277), and NLRC4 (OMIM 606831). Partial trisomy 2p, including pure duplications similar in size and gene content to the current interval, has been described in numerous patients with variable clinical features, including dysmorphic features, psychomotor delay, cardiac and pulmonary anomalies, growth failure, neural tube defects and increased risk for neuroblastoma and renal tumors (Al-Saffar 2000, Fievet 2013, Lurie 2014, Martinez-Juarez 2014, Micale 2016, Schwab 2004, Van Mater 2013). There are no similar copy number gains of this region in the general populations of the Database of Genomic Variants. Thus, based on gene content and current medical literature, the classification of this copy number variant (CNV) is pathogenic. References Al-Saffar et al., Am J Med Genet. 2000 Oct 23;94(5):428-32. PMID: 11050631 Fievet et al., Eur J Med Genet. 2013 Dec;56(12):643-7. PMID: 24161495. Lurie et al., Cytogenet Genome Res. 2014;144(1):28-30. PMID: 25322981. Martinez-Juarez et al., Cytogenet Genome Res. 2014;142(4):249-54. PMID: 24751616. Micale et al., Eur J Med Genet. 2016 Dec;59(12):618-623. PMID: 27794475. Schwab et al., Cancer Lett. 2004 Feb 20;204(2):179-87. PMID: 15013217. Van Mater et al., Am J Med Genet A. 2013 Mar;161A(3):605-10. PMID: 23401364.